The following is an entry in ClinVar:

ClinVar aggregate classification (germline): Uncertain significance (1 of 4 stars; one submission).

Submission:

Quest Diagnostics Nichols Institute San Juan Capistrano
Classification: Uncertain significance. Last evaluated: 2023-06-01. Review status: criteria provided, single submitter. Criteria: Quest Diagnostics criteria. Collection method: clinical testing. Allele origin: unknown.
Comment: To the best of our knowledge, this variant has not been reported in the published literature. It also has not been reported in large, multi-ethnic general populations (Genome Aggregation Database). Analysis of this variant using software algorithms for the prediction of the effect of nucleotide changes on splicing yielded predictions that this variant may affect proper MSH6 mRNA splicing . Based on the available information, we are unable to determine the clinical significance of this variant.

NM_000179.3(MSH6):c.4002-19_4002-10del

Gene: MSH6 (mutS homolog 6; plus strand). Cytogenetic location: 2p16.3.
Variant type: Deletion.
Coding change: c.4002-19_4002-10del on transcript NM_000179.3 (MANE Select); 19 bases into the intron before coding-DNA position 4002 through 10 bases into the intron before coding-DNA position 4002, 10 bases deleted (TTTTTTTTTT; older notation c.4002-19_4002-10delTTTTTTTTTT).
Molecular consequence: intron variant.
Genome position (GRCh38, 1-based): chr2:47,806,760-47,806,769, TTTTTTTTTT deleted; deleting any 10 consecutive bases within chr2:47,806,752-47,806,769 gives the same sequence; the c. name uses the placement nearest the transcript's 3' end. VCF-style (leftmost placement, unchanged base first): chr2-47806751-CTTTTTTTTTT-C. GRCh37 (hg19) VCF-style: chr2-48033890-CTTTTTTTTTT-C.
Other names: c.4002-19_4002-10del (NM_001406809.1, NM_001406796.1); c.3096-19_3096-10del (NM_001406811.1, NM_001406814.1, NM_001281493.2 and 6 more transcripts); c.3705-19_3705-10del (NM_001406805.1, NM_001406797.1, NM_001406818.1 and 8 more transcripts); c.4098-19_4098-10del (NM_001406795.1); c.3898-19_3898-10del (NM_001406802.1); c.4008-19_4008-10del (NM_001406813.1); c.3477-19_3477-10del (NM_001406807.1, NM_001406799.1, NM_001406806.1); c.4002-24_4002-15del (NM_001406808.1); and 11 more.
Identifiers: ClinVar variation 2682025 (VCV002682025.1), dbSNP rs59056100, ClinGen allele CA2658969779.
Genomic context (GRCh38, chr2:47,806,751, plus strand): 5'-TTAAGTTTCAAAGAAACAGTAAAAGGGGAAGGGATGATGCACTATGAAAAAACAAAAAAA[CTTTTTTTTTT>C]TTTTTTTTAATTTTAAGGGAAGTTTGCCTGGCTAGTGAAAGGTCAACTGTAGATGCTGAA-3'